The following is an entry in ClinVar:

NM_005751.5(AKAP9):c.2506T>C (p.Cys836Arg)

Gene: AKAP9 (A-kinase anchoring protein 9; plus strand). Cytogenetic location: 7q21.2.
Variant type: single nucleotide variant.
Coding change: c.2506T>C on transcript NM_005751.5 (MANE Select); coding-DNA position 2506, T replaced by C.
Protein change: p.Cys836Arg; replaces cysteine 836 with arginine.
Molecular consequence: missense variant.
Genome position (GRCh38, 1-based): chr7:92,002,423, T>C. VCF-style: chr7-92002423-T-C. GRCh37 (hg19) VCF-style: chr7-91631737-T-C.
Other names: c.2506T>C, p.Cys836Arg (NM_147185.3); short protein forms C836R.
Identifiers: ClinVar variation 1792321 (VCV001792321.7), dbSNP rs774880478, ClinGen allele CA4336150.

ClinVar aggregate classification (germline): Uncertain significance. Review status: criteria provided, multiple submitters, no conflicts (2 of 4 stars). 2 submissions from 2 submitters: Uncertain significance (2). Last evaluated 2025-07-09.

Conditions:
Long QT syndrome (LQTS). Identifiers: MedGen C0023976, MeSH D008133, MONDO:0002442. Disease mechanism: loss of function. Inheritance: Various modes of inheritance.
Cardiovascular phenotype. Identifiers: MedGen CN230736.

Allele frequency attached by ClinVar (database versions not stated): ExAC 0.00001; gnomAD 0.00001; TOPMed 0.00001.
gnomAD v4.1: 25 of 1,608,868 alleles (0.0016%); highest among the groups gnomAD compares: Non-Finnish European, 0.002%; no homozygotes.

Submissions (2):

Ambry Genetics
Classification: Uncertain significance for Cardiovascular phenotype. Last evaluated: 2025-07-09. Review status: criteria provided, single submitter. Criteria: Ambry Variant Classification Scheme 2023. Collection method: clinical testing. Allele origin: germline.
Comment: The p.C836R variant (also known as c.2506T>C), located in coding exon 8 of the AKAP9 gene, results from a T to C substitution at nucleotide position 2506. The cysteine at codon 836 is replaced by arginine, an amino acid with highly dissimilar properties. This amino acid position is not well conserved in available vertebrate species. In addition, this alteration is predicted to be tolerated by in silico analysis. Since supporting evidence is limited at this time, the clinical significance of this alteration remains unclear.

Labcorp Genetics (formerly Invitae), Labcorp
Classification: Uncertain significance for Long QT syndrome. Last evaluated: 2023-03-09. Review status: criteria provided, single submitter. Criteria: Invitae Variant Classification Sherloc (09022015). Collection method: clinical testing. Allele origin: germline.
Comment: This sequence change replaces cysteine, which is neutral and slightly polar, with arginine, which is basic and polar, at codon 836 of the AKAP9 protein (p.Cys836Arg). This variant is present in population databases (rs774880478, gnomAD 0.003%). This variant has not been reported in the literature in individuals affected with AKAP9-related conditions. ClinVar contains an entry for this variant (Variation ID: 1792321). An algorithm developed to predict the effect of missense changes on protein structure and function (PolyPhen-2) suggests that this variant is likely to be disruptive. In summary, the available evidence is currently insufficient to determine the role of this variant in disease. Therefore, it has been classified as a Variant of Uncertain Significance.